The following is an entry in ClinVar:

NM_003482.4(KMT2D):c.4379C>A (p.Pro1460Gln)

Gene: KMT2D (lysine methyltransferase 2D; minus strand). Cytogenetic location: 12q13.12.
Variant type: single nucleotide variant.
Coding change: c.4379C>A on transcript NM_003482.4 (MANE Select); coding-DNA position 4379, C replaced by A.
Protein change: p.Pro1460Gln; replaces proline 1460 with glutamine.
Molecular consequence: missense variant.
Genome position (GRCh38, 1-based): chr12:49,046,648, G>T on the plus strand (C>A on the coding strand, the complement: KMT2D is on the minus strand). VCF-style: chr12-49046648-G-T. GRCh37 (hg19) VCF-style: chr12-49440431-G-T.
Other names: short protein forms P1460Q.
Identifiers: ClinVar variation 2572540 (VCV002572540.1), dbSNP rs1262943788, ClinGen allele CA384646762.

ClinVar aggregate classification (germline): Uncertain significance (1 of 4 stars; one submission).

Conditions:
Kabuki syndrome 1 (KABUK1). Also called: KMT2D-Related Kabuki Syndrome. Identifiers: Orphanet 2322, MedGen CN030661, MONDO:0007843, OMIM 147920.

gnomAD v4.1: 2 of 1,613,680 alleles (0.00012%); highest among the groups gnomAD compares: Non-Finnish European, 0.00017%; no homozygotes.

Submission:

3billion
Classification: Uncertain significance for Kabuki syndrome 1. Review status: criteria provided, single submitter. Criteria: ACMG Guidelines, 2015. Collection method: clinical testing. Allele origin: unknown. Affected: yes. Observed: 1 heterozygote.
Comment: The variant is not observed in the gnomAD v2.1.1 dataset. In silico tool predictions suggest damaging effect of the variant on gene or gene product (REVEL: 0.73; 3Cnet: 0.94). Therefore, this variant is classified as Uncertain significance according to the recommendation of ACMG/AMP guideline.